The following is an entry in ClinVar:

ClinVar aggregate classification (germline): Uncertain significance (1 of 4 stars; one submission).

Allele frequency attached by ClinVar (database versions not stated): gnomAD exomes 0.00001.
gnomAD v4.1: 19 of 1,579,872 alleles (0.0012%); highest among the groups gnomAD compares: Non-Finnish European, 0.0016%; no homozygotes.

Submission:

Labcorp Genetics (formerly Invitae), Labcorp
Classification: Uncertain significance. Last evaluated: 2022-08-16. Review status: criteria provided, single submitter. Criteria: Invitae Variant Classification Sherloc (09022015). Collection method: clinical testing. Allele origin: germline.
Comment: In summary, the available evidence is currently insufficient to determine the role of this variant in disease. Therefore, it has been classified as a Variant of Uncertain Significance. Advanced modeling of protein sequence and biophysical properties (such as structural, functional, and spatial information, amino acid conservation, physicochemical variation, residue mobility, and thermodynamic stability) performed at Invitae indicates that this missense variant is not expected to disrupt EIF2B5 protein function. ClinVar contains an entry for this variant (Variation ID: 1413278). This variant has not been reported in the literature in individuals affected with EIF2B5-related conditions. This variant is not present in population databases (gnomAD no frequency). This sequence change replaces alanine, which is neutral and non-polar, with glycine, which is neutral and non-polar, at codon 32 of the EIF2B5 protein (p.Ala32Gly).

NM_003907.3(EIF2B5):c.95C>G (p.Ala32Gly)

Genes: EIF2B5 (eukaryotic translation initiation factor 2B subunit epsilon; plus strand), LOC129938041 (ATAC-STARR-seq lymphoblastoid silent region 14954; plus strand). Cytogenetic location: 3q27.1.
Variant type: single nucleotide variant.
Coding change: c.95C>G on transcript NM_003907.3 (MANE Select); coding-DNA position 95, C replaced by G.
Protein change: p.Ala32Gly; replaces alanine 32 with glycine.
Molecular consequence: missense variant.
Genome position (GRCh38, 1-based): chr3:184,135,480, C>G. VCF-style: chr3-184135480-C-G. GRCh37 (hg19) VCF-style: chr3-183853268-C-G.
Other names: short protein forms A32G.
Identifiers: ClinVar variation 1413278 (VCV001413278.6), dbSNP rs2109005603, ClinGen allele CA355381210.